The following is an entry in ClinVar:

NM_005751.5(AKAP9):c.4488T>A (p.Asp1496Glu)

Gene: AKAP9 (A-kinase anchoring protein 9; plus strand). Cytogenetic location: 7q21.2.
Variant type: single nucleotide variant.
Coding change: c.4488T>A on transcript NM_005751.5 (MANE Select); coding-DNA position 4488, T replaced by A.
Protein change: p.Asp1496Glu; replaces aspartic acid 1496 with glutamic acid.
Molecular consequence: missense variant.
Genome position (GRCh38, 1-based): chr7:92,038,568, T>A. VCF-style: chr7-92038568-T-A. GRCh37 (hg19) VCF-style: chr7-91667882-T-A.
Other names: c.4488T>A, p.Asp1496Glu (NM_147185.3); short protein forms D1496E.
Identifiers: ClinVar variation 1740936 (VCV001740936.2), dbSNP rs769896624, ClinGen allele CA4336581.

ClinVar aggregate classification (germline): Uncertain significance (1 of 4 stars; one submission).

Conditions:
Cardiovascular phenotype. Identifiers: MedGen CN230736.

Allele frequency attached by ClinVar (database versions not stated): gnomAD exomes 0.00001; ExAC 0.00002.
gnomAD v4.1: 9 of 1,613,936 alleles (0.00056%); highest among the groups gnomAD compares: South Asian, 0.0055%; no homozygotes.

Submission:

Ambry Genetics
Classification: Uncertain significance for Cardiovascular phenotype. Last evaluated: 2021-07-18. Review status: criteria provided, single submitter. Criteria: Ambry Variant Classification Scheme 2023. Collection method: clinical testing. Allele origin: germline.
Comment: The p.D1496E variant (also known as c.4488T>A), located in coding exon 17 of the AKAP9 gene, results from a T to A substitution at nucleotide position 4488. The aspartic acid at codon 1496 is replaced by glutamic acid, an amino acid with highly similar properties. This amino acid position is conserved. In addition, this alteration is predicted to be tolerated by in silico analysis. Since supporting evidence is limited at this time, the clinical significance of this alteration remains unclear.